The following is an entry in ClinVar:

NM_001291088.2(WDR87):c.7703G>A (p.Arg2568His)

Gene: WDR87 (WD repeat domain 87; minus strand). Cytogenetic location: 19q13.13.
Variant type: single nucleotide variant.
Coding change: c.7703G>A on transcript NM_001291088.2 (MANE Select); coding-DNA position 7703, G replaced by A.
Protein change: p.Arg2568His; replaces arginine 2568 with histidine.
Molecular consequence: missense variant.
Genome position (GRCh38, 1-based): chr19:37,885,968, C>T on the plus strand (G>A on the coding strand, the complement: WDR87 is on the minus strand). VCF-style: chr19-37885968-C-T. GRCh37 (hg19) VCF-style: chr19-38376608-C-T.
Other names: c.7586G>A, p.Arg2529His (NM_031951.5); short protein forms R2568H, R2529H.
Identifiers: ClinVar variation 2461248 (VCV002461248.5), dbSNP rs867478668, ClinGen allele CA308018976.

ClinVar aggregate classification (germline): Conflicting classifications of pathogenicity. Review status: criteria provided, conflicting classifications (1 of 4 stars). 2 submissions from 2 submitters: Uncertain significance (1); Likely benign (1). Last evaluated 2023-01-25.

Allele frequency attached by ClinVar (database versions not stated): gnomAD 0.00002; gnomAD exomes 0.00002; TOPMed 0.00006.
gnomAD v4.1: 29 of 1,552,018 alleles (0.0019%); highest among the groups gnomAD compares: Admixed American, 0.041%; no homozygotes.

Submissions (2):

Ambry Genetics
Classification: Likely benign. Last evaluated: 2023-01-25. Review status: criteria provided, single submitter. Criteria: Ambry Variant Classification Scheme 2023. Collection method: clinical testing. Allele origin: germline.

Labcorp Genetics (formerly Invitae), Labcorp
Classification: Uncertain significance. Last evaluated: 2022-11-08. Review status: criteria provided, single submitter. Criteria: Invitae Variant Classification Sherloc (09022015). Collection method: clinical testing. Allele origin: germline.
Comment: In summary, the available evidence is currently insufficient to determine the role of this variant in disease. Therefore, it has been classified as a Variant of Uncertain Significance. Algorithms developed to predict the effect of missense changes on protein structure and function output the following: SIFT: "Tolerated"; PolyPhen-2: "Not Available"; Align-GVGD: "Class C0". The histidine amino acid residue is found in multiple mammalian species, which suggests that this missense change does not adversely affect protein function. This variant has not been reported in the literature in individuals affected with WDR87-related conditions. This variant is present in population databases (no rsID available, gnomAD 0.04%). This sequence change replaces arginine, which is basic and polar, with histidine, which is basic and polar, at codon 2529 of the WDR87 protein (p.Arg2529His).